The following is an entry in ClinVar:

ClinVar aggregate classification (germline): Uncertain significance (1 of 4 stars; one submission).

Submission:

GeneDx
Classification: Uncertain significance. Last evaluated: 2024-07-13. Review status: criteria provided, single submitter. Criteria: GeneDx Variant Classification Process June 2021. Collection method: clinical testing. Allele origin: germline. Affected: yes.
Comment: Not observed at significant frequency in large population cohorts (gnomAD); In silico analysis indicates that this missense variant does not alter protein structure/function; Has not been previously published as pathogenic or benign to our knowledge

NM_138459.5(NUS1):c.218G>A (p.Arg73His)

Gene: NUS1 (NUS1 dehydrodolichyl diphosphate synthase subunit; plus strand). Cytogenetic location: 6q22.1.
Variant type: single nucleotide variant.
Coding change: c.218G>A on transcript NM_138459.5 (MANE Select); coding-DNA position 218, G replaced by A.
Protein change: p.Arg73His; replaces arginine 73 with histidine.
Molecular consequence: missense variant.
Genome position (GRCh38, 1-based): chr6:117,675,888, G>A. VCF-style: chr6-117675888-G-A. GRCh37 (hg19) VCF-style: chr6-117997051-G-A.
Other names: short protein forms R73H.
Identifiers: ClinVar variation 3572781 (VCV003572781.1).